The following is an entry in ClinVar:

NM_003579.4(RAD54L):c.781C>A (p.Gln261Lys)

Gene: RAD54L (RAD54 like; plus strand). Cytogenetic location: 1p34.1.
Variant type: single nucleotide variant.
Coding change: c.781C>A on transcript NM_003579.4 (MANE Select); coding-DNA position 781, C replaced by A.
Protein change: p.Gln261Lys; replaces glutamine 261 with lysine.
Molecular consequence: missense variant.
Genome position (GRCh38, 1-based): chr1:46,261,275, C>A. VCF-style: chr1-46261275-C-A. GRCh37 (hg19) VCF-style: chr1-46726947-C-A.
Other names: c.781C>A, p.Gln261Lys (NM_001142548.2); c.241C>A, p.Gln81Lys (NM_001370766.1); short protein forms Q261K, Q81K.
Identifiers: ClinVar variation 1760759 (VCV001760759.2), dbSNP rs780918384, ClinGen allele CA340188551.
Genomic context (GRCh38, chr1:46,261,275, plus strand): 5'-TTTCAAAAGATTCTGAATTGTTCCCTTTACACCTTTTCTGTTGTAGAAGGATTCATGAAC[C>A]AGCGTGGAGCCAGGGTGTCTTCTCCCATCCTCATCATTTCCTATGAGACCTTCCGCCTTC-3'
Protein context (NP_003570.2, residues 251-271): IDQKLEGFMN[Gln261Lys]RGARVSSPIL

ClinVar aggregate classification (germline): Uncertain significance (1 of 4 stars; one submission).

gnomAD v4.1: 2 of 1,613,016 alleles (0.00012%); highest among the groups gnomAD compares: Non-Finnish European, 0.00017%; no homozygotes.

Submission:

Ambry Genetics
Classification: Uncertain significance. Last evaluated: 2022-10-29. Review status: criteria provided, single submitter. Criteria: Ambry Variant Classification Scheme 2023. Collection method: clinical testing. Allele origin: germline.
Comment: The p.Q261K variant (also known as c.781C>A), located in coding exon 8 of the RAD54L gene, results from a C to A substitution at nucleotide position 781. The glutamine at codon 261 is replaced by lysine, an amino acid with similar properties. This amino acid position is conserved. In addition, this alteration is predicted to be deleterious by in silico analysis. Since supporting evidence is limited at this time, the clinical significance of this alteration remains unclear.